The following is an entry in ClinVar:

NM_001355436.2(SPTB):c.1782dup (p.Thr595fs)

Gene: SPTB (spectrin beta, erythrocytic; minus strand). Cytogenetic location: 14q23.3.
Variant type: Duplication.
Coding change: c.1782dup on transcript NM_001355436.2 (MANE Select); coding-DNA position 1782, one base duplicated (C; older notation c.1782dupC).
Protein change: p.Thr595fs; shifts the reading frame from threonine 595.
Molecular consequence: frameshift variant.
Genome position (GRCh38, 1-based): chr14:64,794,480, G duplicated on the plus strand (C on the coding strand, the reverse complement: SPTB is on the minus strand). VCF-style (leftmost placement, unchanged base first): chr14-64794479-T-TG. GRCh37 (hg19) VCF-style: chr14-65261197-T-TG.
Other names: c.1782dup, p.Thr595fs (NM_001024858.4, NM_001355437.2); short protein forms T595fs.
Identifiers: ClinVar variation 3047981 (VCV003047981.2), dbSNP rs2503167593, ClinGen allele CA2740097103.

ClinVar aggregate classification (germline): Pathogenic (0 of 4 stars; one submission).

Conditions:
SPTB-related disorder. Also called: SPTB-related condition; SPTB-Related Disorders.

Submission:

PreventionGenetics, part of Exact Sciences
Classification: Pathogenic for SPTB-related condition. Last evaluated: 2023-11-01. Review status: no assertion criteria provided. Collection method: clinical testing. Allele origin: germline.
Comment: The SPTB c.1782dupC variant is predicted to result in a frameshift and premature protein termination (p.Thr595Hisfs*10). To our knowledge, this variant has not been reported in the literature or in a large population database, indicating this variant is rare. Frameshift variants in SPTB are expected to be pathogenic. This variant is interpreted as pathogenic.